The following is an entry in ClinVar:

ClinVar aggregate classification (germline): Pathogenic. Review status: criteria provided, multiple submitters, no conflicts (2 of 4 stars). 2 submissions from 2 submitters: Pathogenic (2). Last evaluated 2025-12-23.

Allele frequency attached by ClinVar (database versions not stated): gnomAD exomes below 0.00001.
gnomAD v4.1: 1 of 1,198,302 alleles (0.000083%); highest among the groups gnomAD compares: Non-Finnish European, 0.00011%; no homozygotes.

Submissions (2):

GeneDx
Classification: Pathogenic. Last evaluated: 2025-12-23. Review status: criteria provided, single submitter. Criteria: GeneDx Variant Classification Process June 2021. Collection method: clinical testing. Allele origin: germline.
Comment: Nonsense variant predicted to result in protein truncation, as the last 109 amino acids are lost, and other loss-of-function variants have been reported downstream; Not observed at significant frequency in large population cohorts (gnomAD); This variant is associated with the following publications: (PMID: 30628072, 35904121, 32109418)

Labcorp Genetics (formerly Invitae), Labcorp
Classification: Pathogenic. Last evaluated: 2023-08-16. Review status: criteria provided, single submitter. Criteria: Invitae Variant Classification Sherloc (09022015). Collection method: clinical testing. Allele origin: germline.
Comment: For these reasons, this variant has been classified as Pathogenic. This variant disrupts the C-terminus of the BRWD3 protein. Other variant(s) that disrupt this region (p.Arg1750*) have been observed in individuals with BRWD3-related conditions (PMID: 36414205). This suggests that this may be a clinically significant region of the protein. ClinVar contains an entry for this variant (Variation ID: 982911). This premature translational stop signal has been observed in individual(s) with BRWD3-related conditions (PMID: 30628072). In at least one individual the variant was observed to be de novo. This variant is not present in population databases (gnomAD no frequency). This sequence change creates a premature translational stop signal (p.Arg1694*) in the BRWD3 gene. While this is not anticipated to result in nonsense mediated decay, it is expected to disrupt the last 109 amino acid(s) of the BRWD3 protein.

Literature cited by the submitters: PubMed 36414205 (cited by Labcorp Genetics (formerly Invitae), Labcorp); PubMed 30628072 (cited by Labcorp Genetics (formerly Invitae), Labcorp).

NM_153252.5(BRWD3):c.5080C>T (p.Arg1694Ter)

Gene: BRWD3 (bromodomain and WD repeat domain containing 3; minus strand). Cytogenetic location: Xq21.1.
Variant type: single nucleotide variant.
Coding change: c.5080C>T on transcript NM_153252.5 (MANE Select); coding-DNA position 5080, C replaced by T.
Protein change: p.Arg1694Ter; replaces arginine 1694 with a stop codon.
Molecular consequence: nonsense.
Genome position (GRCh38, 1-based): chrX:80,676,938, G>A on the plus strand (C>T on the coding strand, the complement: BRWD3 is on the minus strand). VCF-style: chrX-80676938-G-A. GRCh37 (hg19) VCF-style: chrX-79932437-G-A.
Other names: short protein forms R1694*.
Identifiers: ClinVar variation 982911 (VCV000982911.6), dbSNP rs2072372599, ClinGen allele CA413746623.